The following is an entry in ClinVar:

NM_016169.4(SUFU):c.316G>A (p.Glu106Lys)

Gene: SUFU (SUFU negative regulator of hedgehog signaling; plus strand). Cytogenetic location: 10q24.32.
Variant type: single nucleotide variant.
Coding change: c.316G>A on transcript NM_016169.4 (MANE Select); coding-DNA position 316, G replaced by A.
Protein change: p.Glu106Lys; replaces glutamic acid 106 with lysine.
Molecular consequence: missense variant.
Genome position (GRCh38, 1-based): chr10:102,509,302, G>A. VCF-style: chr10-102509302-G-A. GRCh37 (hg19) VCF-style: chr10-104269059-G-A.
Other names: c.316G>A, p.Glu106Lys (NM_001178133.2); short protein forms E106K.
Identifiers: ClinVar variation 1006485 (VCV001006485.14), dbSNP rs1040654062, ClinGen allele CA212240691.
Genomic context (GRCh38, chr10:102,509,302, plus strand): 5'-GAGCACTGGCACTACATCAGCTTCGGCCTGAGTGATCTCTATGGTGACAACAGAGTCCAT[G>A]AGTGAGTATATGCCACCTGTTCTTTATCCAGAGCCTTATTCCTGAGGTCTTCCTGAGCAG-3'
Protein context (NP_057253.2, residues 96-116): SDLYGDNRVH[Glu106Lys]FTGTDGPSGF

ClinVar aggregate classification (germline): Conflicting classifications of pathogenicity. Review status: criteria provided, conflicting classifications (1 of 4 stars). 2 submissions from 2 submitters: Uncertain significance (1); Likely benign (1). Last evaluated 2025-11-09.

Conditions:
Hereditary cancer-predisposing syndrome. Also called: Hereditary neoplastic syndrome; Neoplastic Syndromes, Hereditary; Tumor predisposition; Hereditary Cancer Syndrome. Identifiers: Orphanet 140162, MedGen C0027672, MeSH D009386, MONDO:0015356.
Gorlin syndrome. Also called: Nevoid Basal Cell Carcinoma Syndrome; Basal cell nevus syndrome. Identifiers: Orphanet 377, MedGen C0004779, MONDO:0007187.
Medulloblastoma (MDB). Also called: MEDULLOBLASTOMA PREDISPOSITION SYNDROME; Medulloblastoma, somatic. Identifiers: Orphanet 616, MedGen C0025149, MeSH D008527, MONDO:0007959, OMIM 155255, HP:0002885.

Allele frequency attached by ClinVar (database versions not stated): gnomAD 0.00001; gnomAD exomes 0.00001; TOPMed 0.00001.
gnomAD v4.1: 3 of 1,613,926 alleles (0.00019%); highest among the groups gnomAD compares: African/African-American, 0.004%; no homozygotes.

Submissions (2):

Labcorp Genetics (formerly Invitae), Labcorp
Classification: Uncertain significance for Gorlin syndrome; Medulloblastoma. Last evaluated: 2025-11-09. Review status: criteria provided, single submitter. Criteria: Invitae Variant Classification Sherloc (09022015). Collection method: clinical testing. Allele origin: germline.
Comment: This sequence change replaces glutamic acid, which is acidic and polar, with lysine, which is basic and polar, at codon 106 of the SUFU protein (p.Glu106Lys). This variant is present in population databases (no rsID available, gnomAD 0.01%). This variant has not been reported in the literature in individuals affected with SUFU-related conditions. ClinVar contains an entry for this variant (Variation ID: 1006485). An algorithm developed to predict the effect of missense changes on protein structure and function (PolyPhen-2) suggests that this variant is likely to be tolerated. In summary, the available evidence is currently insufficient to determine the role of this variant in disease. Therefore, it has been classified as a Variant of Uncertain Significance.

Ambry Genetics
Classification: Likely benign for Hereditary cancer-predisposing syndrome. Last evaluated: 2022-07-27. Review status: criteria provided, single submitter. Criteria: Ambry Variant Classification Scheme 2023. Collection method: clinical testing. Allele origin: germline.